The following is an entry in ClinVar:

NC_000002.11:g.(?_228029443)_(228029549_?)dup

Gene: COL4A3 (collagen type IV alpha 3 chain; plus strand). Cytogenetic location: 2q36.3.
Variant type: Duplication.
Identifiers: ClinVar variation 2422342 (VCV002422342.3).

ClinVar aggregate classification (germline): Uncertain significance (1 of 4 stars; one submission).

Submission:

Labcorp Genetics (formerly Invitae), Labcorp
Classification: Uncertain significance. Last evaluated: 2021-04-24. Review status: criteria provided, single submitter. Criteria: Invitae Variant Classification Sherloc (09022015). Collection method: clinical testing. Allele origin: germline.
Comment: This variant results in a copy number gain of the genomic region encompassing exon(s) 1 of the COL4A3 gene. This region includes the initiator codon of the gene. The 5' end of this event is unknown as it extends beyond the assayed region for this gene and therefore may encompass additional genes. The 3' boundary is likely confined to intron 1 of the COL4A3 gene. As the precise location of this event is unknown, it may be in tandem or it may be located elsewhere in the genome. This variant has not been reported in the literature in individuals with COL4A3-related conditions. Experimental studies and prediction algorithms are not available or were not evaluated, and the functional significance of this variant is currently unknown. In summary, the available evidence is currently insufficient to determine the role of this variant in disease. Therefore, it has been classified as a Variant of Uncertain Significance.